The following is an entry in ClinVar:

NM_001267550.2(TTN):c.17442T>C (p.Ser5814=)

Genes: TTN (titin; minus strand), LOC126806431 (CDK7 strongly-dependent group 2 enhancer GRCh37_chr2:179595719-179596918; plus strand). Cytogenetic location: 2q31.2.
Variant type: single nucleotide variant.
Coding change: c.17442T>C on transcript NM_001267550.2 (MANE Select); coding-DNA position 17442, T replaced by C.
Protein change: p.Ser5814=; no amino-acid change (serine 5814 retained).
Molecular consequence: synonymous variant. On other transcripts: intron variant (3).
Genome position (GRCh38, 1-based): chr2:178,731,324, A>G on the plus strand (T>C on the coding strand, the complement: TTN is on the minus strand). VCF-style: chr2-178731324-A-G. GRCh37 (hg19) VCF-style: chr2-179596051-A-G.
Other names: c.16491T>C, p.Ser5497= (NM_001256850.1); c.13710T>C, p.Ser4570= (NM_133378.4); c.13282+6758T>C (NM_003319.4); c.13858+6758T>C (NM_133437.4); c.13657+6758T>C (NM_133432.3).
Identifiers: ClinVar variation 535067 (VCV000535067.18), dbSNP rs770532942, ClinGen allele CA2001833.

ClinVar aggregate classification (germline): Likely benign. Review status: criteria provided, multiple submitters, no conflicts (2 of 4 stars). 4 submissions from 4 submitters: Likely benign (4). Last evaluated 2026-09-21.

Conditions:
Dilated cardiomyopathy 1G (CMD1G). Identifiers: Orphanet 154, MedGen C1858763, MONDO:0011400, OMIM 604145.
Autosomal recessive limb-girdle muscular dystrophy type 2J (LGMDR10). Also called: Limb-girdle muscular dystrophy, type 2J; MUSCULAR DYSTROPHY, LIMB-GIRDLE, AUTOSOMAL RECESSIVE 10. Identifiers: Orphanet 140922, MedGen C1837342, MONDO:0012127, OMIM 608807.

Allele frequency attached by ClinVar (database versions not stated): gnomAD exomes 0.00002 and 0.00004; TOPMed 0.00002; ExAC 0.00004; gnomAD 0.00002.
gnomAD v4.1: 32 of 1,613,702 alleles (0.002%); highest among the groups gnomAD compares: South Asian, 0.019%; no homozygotes.

Submissions (4):

Molecular Diagnostic Laboratory for Inherited Cardiovascular Disease, Montreal Heart Institute
Classification: Likely benign. Last evaluated: 2026-09-21. Review status: criteria provided, single submitter. Criteria: ACMG Guidelines, 2015. Collection method: clinical testing. Allele origin: germline. Affected: no.

CeGaT Center for Human Genetics Tuebingen
Classification: Likely benign. Last evaluated: 2026-06-01. Review status: criteria provided, single submitter. Criteria: CeGaT Center For Human Genetics Tuebingen Variant Classification Criteria Version 2. Collection method: clinical testing. Allele origin: germline. Affected: yes. Observed: 2 variant alleles.
Comment: TTN: BP4, BP7

Labcorp Genetics (formerly Invitae), Labcorp
Classification: Likely benign for Dilated cardiomyopathy 1G; Autosomal recessive limb-girdle muscular dystrophy type 2J. Last evaluated: 2025-09-30. Review status: criteria provided, single submitter. Criteria: Invitae Variant Classification Sherloc (09022015). Collection method: clinical testing. Allele origin: germline.

Blueprint Genetics
Classification: Likely benign. Last evaluated: 2022-05-11. Review status: criteria provided, single submitter. Criteria: ACMG Guidelines, 2015. Collection method: clinical testing. Allele origin: germline.